The following is an entry in ClinVar:

NM_005609.4(PYGM):c.528+1G>T

Gene: PYGM (glycogen phosphorylase, muscle associated; minus strand). Cytogenetic location: 11q13.1.
Variant type: single nucleotide variant.
Coding change: c.528+1G>T on transcript NM_005609.4 (MANE Select); the canonical splice donor site of the intron after coding-DNA position 528, G replaced by T.
Molecular consequence: splice donor variant.
Genome position (GRCh38, 1-based): chr11:64,758,245, C>A on the plus strand (G>T on the coding strand, the complement: PYGM is on the minus strand). VCF-style: chr11-64758245-C-A. GRCh37 (hg19) VCF-style: chr11-64525717-C-A.
Other names: c.264+1G>T (NM_001164716.1).
Identifiers: ClinVar variation 2863076 (VCV002863076.3), dbSNP rs1262967083, ClinGen allele CA381108736.

ClinVar aggregate classification (germline): Likely pathogenic (1 of 4 stars; one submission).

Conditions:
Glycogen storage disease, type V (GSD5). Also called: MCARDLE DISEASE; MUSCLE GLYCOGEN PHOSPHORYLASE DEFICIENCY; MYOPHOSPHORYLASE DEFICIENCY; PYGM DEFICIENCY; McArdle type glycogen storage disease. Identifiers: Orphanet 368, MedGen C0017924, MONDO:0009293, OMIM 232600.

Submission:

Labcorp Genetics (formerly Invitae), Labcorp
Classification: Likely pathogenic for Glycogen storage disease, type V. Last evaluated: 2023-05-11. Review status: criteria provided, single submitter. Criteria: Invitae Variant Classification Sherloc (09022015). Collection method: clinical testing. Allele origin: germline.
Comment: This sequence change affects a donor splice site in intron 4 of the PYGM gene. It is expected to disrupt RNA splicing. Variants that disrupt the donor or acceptor splice site typically lead to a loss of protein function (PMID: 16199547), and loss-of-function variants in PYGM are known to be pathogenic (PMID: 8316268, 16786513). This variant is not present in population databases (gnomAD no frequency). This variant has not been reported in the literature in individuals affected with PYGM-related conditions. Algorithms developed to predict the effect of sequence changes on RNA splicing suggest that this variant may disrupt the consensus splice site. In summary, the currently available evidence indicates that the variant is pathogenic, but additional data are needed to prove that conclusively. Therefore, this variant has been classified as Likely Pathogenic.

Literature cited by the submitters: PubMed 16199547; PubMed 8316268; PubMed 16786513.